The following is an entry in ClinVar:

NM_014956.5(CEP164):c.3142G>A (p.Val1048Ile)

Gene: CEP164 (centrosomal protein 164; plus strand). Cytogenetic location: 11q23.3.
Variant type: single nucleotide variant.
Coding change: c.3142G>A on transcript NM_014956.5 (MANE Select); coding-DNA position 3142, G replaced by A.
Protein change: p.Val1048Ile; replaces valine 1048 with isoleucine.
Molecular consequence: missense variant.
Genome position (GRCh38, 1-based): chr11:117,396,106, G>A. VCF-style: chr11-117396106-G-A. GRCh37 (hg19) VCF-style: chr11-117266822-G-A.
Other names: c.3151G>A, p.Val1051Ile (NM_001271933.2); c.3148G>A, p.Val1050Ile (NM_001440949.1); c.3142G>A, p.Val1048Ile (NM_001440950.1, NM_001440951.1, NM_001440953.1); c.2974G>A, p.Val992Ile (NM_001440952.1, NM_001440969.1); c.3064G>A, p.Val1022Ile (NM_001440954.1, NM_001440955.1, NM_001440958.1 and 1 more transcripts); c.3055G>A, p.Val1019Ile (NM_001440956.1); c.3052G>A, p.Val1018Ile (NM_001440957.1); c.3013G>A, p.Val1005Ile (NM_001440960.1); and 13 more; short protein forms V1002I, V903I, V972I, V973I, V995I, V998I, V1019I, V1022I.
Identifiers: ClinVar variation 4993763 (VCV004993763.1).

ClinVar aggregate classification (germline): Uncertain significance (1 of 4 stars; one submission).

Conditions:
CEP164-related disorder. Also called: CEP164-related condition.

Submission:

PreventionGenetics, part of Exact Sciences
Classification: Uncertain significance for CEP164-related condition. Last evaluated: 2026-02-23. Review status: criteria provided, single submitter. Criteria: ACMG Guidelines, 2015. Collection method: clinical testing. Allele origin: germline.
Comment: The CEP164 c.3142G>A variant is predicted to result in the amino acid substitution p.Val1048Ile. To our knowledge, this variant has not been reported in the literature or in a large population database (gnomAD), indicating this variant is rare. At this time, the clinical significance of this variant is uncertain due to the absence of conclusive functional and genetic evidence.